The following is an entry in ClinVar:

NM_020988.3(GNAO1):c.723+6971C>A

Gene: GNAO1 (G protein subunit alpha o1; plus strand). Cytogenetic location: 16q13.
Variant type: single nucleotide variant.
Coding change: c.723+6971C>A on transcript NM_020988.3 (MANE Select); 6971 bases into the intron after coding-DNA position 723, C replaced by A.
Molecular consequence: intron variant. On other transcripts: missense variant (1).
Genome position (GRCh38, 1-based): chr16:56,343,831, C>A. VCF-style: chr16-56343831-C-A. GRCh37 (hg19) VCF-style: chr16-56377743-C-A.
Other names: c.946C>A, p.His316Asn (NM_138736.3); short protein forms H316N.
Identifiers: ClinVar variation 4997792 (VCV004997792.1).

ClinVar aggregate classification (germline): Uncertain significance (1 of 4 stars; one submission).

Conditions:
GNAO1-related disorder. Also called: GNAO1-related condition; GNAO1-Related Disorders. Identifiers: MedGen CN381308.

Submission:

PreventionGenetics, part of Exact Sciences
Classification: Uncertain significance for GNAO1-related condition. Last evaluated: 2024-11-13. Review status: criteria provided, single submitter. Criteria: ACMG Guidelines, 2015. Collection method: clinical testing. Allele origin: germline.
Comment: The GNAO1 c.946C>A variant is predicted to result in the amino acid substitution p.His316Asn. To our knowledge, this variant has not been reported in the literature or in a large population database (gnomAD), indicating this variant is rare. At this time, the clinical significance of this variant is uncertain due to the absence of conclusive functional and genetic evidence.